The following is an entry in ClinVar:

ClinVar aggregate classification (germline): Benign. Review status: criteria provided, multiple submitters, no conflicts (2 of 4 stars). 3 submissions from 3 submitters: Benign (3). Last evaluated 2026-02-04.

Conditions:
Primary dilated cardiomyopathy (DCM). Also called: Dilated Cardiomyopathy. Identifiers: Orphanet 217604, MedGen C0007193, MeSH D002311, MONDO:0005021, HP:0001644. Inheritance: Various modes of inheritance.

Allele frequency attached by ClinVar (database versions not stated): gnomAD exomes 0.17387 and 0.17550; 1000 Genomes Project 30x 0.25141; gnomAD 0.25670 and 0.25041; TOPMed 0.26371; ExAC 0.24214; 1000 Genomes Project 0.24221; ESP Exome Variant Server 0.24279.

Submissions (3):

Labcorp Genetics (formerly Invitae), Labcorp
Classification: Benign for Primary dilated cardiomyopathy. Last evaluated: 2026-02-04. Review status: criteria provided, single submitter. Criteria: Invitae Variant Classification Sherloc (09022015). Collection method: clinical testing. Allele origin: germline.

GeneDx
Classification: Benign. Last evaluated: 2016-09-23. Review status: criteria provided, single submitter. Criteria: GeneDx Variant Classification (06012015). Collection method: clinical testing. Allele origin: germline. Affected: yes.
Comment: This variant is considered likely benign or benign based on one or more of the following criteria: it is a conservative change, it occurs at a poorly conserved position in the protein, it is predicted to be benign by multiple in silico algorithms, and/or has population frequency not consistent with disease.

Breakthrough Genomics
Classification: Benign. Review status: criteria provided, single submitter. Criteria: ACMG Guidelines, 2015. Collection method: not provided. Allele origin: germline. Inheritance: Autosomal recessive inheritance. Affected: yes.

NM_006440.5(TXNRD2):c.774+14C>A

Gene: TXNRD2 (thioredoxin reductase 2; minus strand). Cytogenetic location: 22q11.21.
Variant type: single nucleotide variant.
Coding change: c.774+14C>A on transcript NM_006440.5 (MANE Select); 14 bases into the intron after coding-DNA position 774, C replaced by A.
Molecular consequence: intron variant.
Genome position (GRCh38, 1-based): chr22:19,898,025, G>T on the plus strand (C>A on the coding strand, the complement: TXNRD2 is on the minus strand). VCF-style: chr22-19898025-G-T. GRCh37 (hg19) VCF-style: chr22-19885548-G-T.
Other names: c.771+14C>A (NM_001352300.2); c.486+14C>A (NM_001352302.2); c.684+14C>A (NM_001352301.2); c.774+14C>A (NM_001282512.3); c.678+14C>A (NM_001352303.2).
Identifiers: ClinVar variation 384718 (VCV000384718.10), dbSNP rs12169091, ClinGen allele CA10103993.
Genomic context (GRCh38, chr22:19,898,025, plus strand): 5'-CACCTGCCTGGGAGGGGGCTGTGGGAGGAAGGCCTCAGAGCCACAGGGGCGGGAGCTGGG[G>T]CCTCCAGCACTACCTGGTCGAAGCCGCGGAGGGGGATGCTGCGCATCATGATGGTGGTGT-3'